The following is an entry in ClinVar:

ClinVar aggregate classification (germline): Conflicting classifications of pathogenicity. Review status: criteria provided, conflicting classifications (1 of 4 stars). 2 submissions from 2 submitters: Uncertain significance (1); Likely benign (1). Last evaluated 2025-09-09.

Conditions:
Familial adenomatous polyposis 2. Also called: FAP type 2; MUTYH Polyposis; COLORECTAL ADENOMATOUS POLYPOSIS, AUTOSOMAL RECESSIVE; ADENOMAS, MULTIPLE COLORECTAL, AUTOSOMAL RECESSIVE; MUTYH-associated polyposis; MUTYH-related attenuated familial adenomatous polyposis. Identifiers: Orphanet 220460, Orphanet 247798, MedGen C3272841, MONDO:0012041, OMIM 608456.
Hereditary cancer-predisposing syndrome. Also called: Tumor predisposition; Hereditary Cancer Syndrome; Hereditary neoplastic syndrome; Neoplastic Syndromes, Hereditary. Identifiers: Orphanet 140162, MedGen C0027672, MeSH D009386, MONDO:0015356.

Allele frequency attached by ClinVar (database versions not stated): gnomAD exomes below 0.00001.
gnomAD v4.1: 2 of 1,614,236 alleles (0.00012%); highest among the groups gnomAD compares: Non-Finnish European, 0.00017%; no homozygotes.

Submissions (2):

Ambry Genetics
Classification: Likely benign for Hereditary cancer-predisposing syndrome. Last evaluated: 2025-09-09. Review status: criteria provided, single submitter. Criteria: Ambry Variant Classification Scheme 2023. Collection method: clinical testing. Allele origin: germline.

Labcorp Genetics (formerly Invitae), Labcorp
Classification: Uncertain significance for Familial adenomatous polyposis 2. Last evaluated: 2023-12-18. Review status: criteria provided, single submitter. Criteria: Invitae Variant Classification Sherloc (09022015). Collection method: clinical testing. Allele origin: germline.
Comment: This sequence change replaces glutamic acid, which is acidic and polar, with lysine, which is basic and polar, at codon 92 of the MUTYH protein (p.Glu92Lys). This variant is not present in population databases (gnomAD no frequency). This variant has not been reported in the literature in individuals affected with MUTYH-related conditions. ClinVar contains an entry for this variant (Variation ID: 821760). An algorithm developed to predict the effect of missense changes on protein structure and function (PolyPhen-2) suggests that this variant is likely to be disruptive. Algorithms developed to predict the effect of sequence changes on RNA splicing suggest that this variant may disrupt the consensus splice site. In summary, the available evidence is currently insufficient to determine the role of this variant in disease. Therefore, it has been classified as a Variant of Uncertain Significance.

NM_001048174.2(MUTYH):c.190G>A (p.Glu64Lys)

Gene: MUTYH (mutY DNA glycosylase; minus strand). Cytogenetic location: 1p34.1.
Variant type: single nucleotide variant.
Coding change: c.190G>A on transcript NM_001048174.2 (MANE Select); coding-DNA position 190, G replaced by A.
Protein change: p.Glu64Lys; replaces glutamic acid 64 with lysine.
Molecular consequence: missense variant. On other transcripts: 5 prime UTR variant (4), non-coding transcript variant (2).
Genome position (GRCh38, 1-based): chr1:45,333,487, C>T on the plus strand (G>A on the coding strand, the complement: MUTYH is on the minus strand). VCF-style: chr1-45333487-C-T. GRCh37 (hg19) VCF-style: chr1-45799159-C-T.
Other names: c.190G>A, p.Glu64Lys (NM_001048171.2, NM_001048173.2, NM_001293195.2); c.193G>A, p.Glu65Lys (NM_001048172.2); c.274G>A, p.Glu92Lys (NM_001128425.2); c.235G>A, p.Glu79Lys (NM_001293190.2); c.223G>A, p.Glu75Lys (NM_001293191.2); c.-87G>A (NM_001293192.2, NM_001293196.2); c.-82G>A (NM_001350650.2, NM_001350651.2); c.265G>A, p.Glu89Lys (NM_012222.3); short protein forms E64K, E79K, E65K, E92K, E75K, E89K.
Identifiers: ClinVar variation 821760 (VCV000821760.9), dbSNP rs1570443687, ClinGen allele CA340136477.
Genomic context (GRCh38, chr1:45,333,487, plus strand): 5'-GTAGGTCCCGTTTCTCTTGGTCGTACCAGCTTAGCAGGCTCCCTCGGAAGGCTGTGACTT[C>T]AGCTACGTCTCTGAATAGATGGTATGAGGAGACAGAGGCCTGCAATACCACCTCTTCCGG-3'
Protein context (NP_001041639.1, residues 54-74): SSYHLFRDVA[Glu64Lys]VTAFRGSLLS